The following is an entry in ClinVar:

ClinVar aggregate classification (germline): Uncertain significance. Review status: criteria provided, multiple submitters, no conflicts (2 of 4 stars). 2 submissions from 2 submitters: Uncertain significance (2). Last evaluated 2024-01-16.

Allele frequency attached by ClinVar (database versions not stated): gnomAD 0.00001; TOPMed 0.00001; ExAC 0.00004; gnomAD exomes 0.00004; ESP Exome Variant Server 0.00015.
gnomAD v4.1: 61 of 1,614,066 alleles (0.0038%); highest among the groups gnomAD compares: Non-Finnish European, 0.0047%; no homozygotes.

Submissions (2):

Blueprint Genetics
Classification: Uncertain significance. Last evaluated: 2024-01-16. Review status: criteria provided, single submitter. Criteria: ACMG Guidelines, 2015. Collection method: clinical testing. Allele origin: germline.

Labcorp Genetics (formerly Invitae), Labcorp
Classification: Uncertain significance. Last evaluated: 2022-04-08. Review status: criteria provided, single submitter. Criteria: Invitae Variant Classification Sherloc (09022015). Collection method: clinical testing. Allele origin: germline.
Comment: This sequence change replaces methionine, which is neutral and non-polar, with isoleucine, which is neutral and non-polar, at codon 395 of the ABCA4 protein (p.Met395Ile). This variant is present in population databases (rs61783978, gnomAD 0.008%). This variant has not been reported in the literature in individuals affected with ABCA4-related conditions. Advanced modeling of protein sequence and biophysical properties (such as structural, functional, and spatial information, amino acid conservation, physicochemical variation, residue mobility, and thermodynamic stability) performed at Invitae indicates that this missense variant is not expected to disrupt ABCA4 protein function. In summary, the available evidence is currently insufficient to determine the role of this variant in disease. Therefore, it has been classified as a Variant of Uncertain Significance.

NM_000350.3(ABCA4):c.1185G>T (p.Met395Ile)

Gene: ABCA4 (ATP binding cassette subfamily A member 4; minus strand). Cytogenetic location: 1p22.1.
Variant type: single nucleotide variant.
Coding change: c.1185G>T on transcript NM_000350.3 (MANE Select); coding-DNA position 1185, G replaced by T.
Protein change: p.Met395Ile; replaces methionine 395 with isoleucine.
Molecular consequence: missense variant.
Genome position (GRCh38, 1-based): chr1:94,079,376, C>A on the plus strand (G>T on the coding strand, the complement: ABCA4 is on the minus strand). VCF-style: chr1-94079376-C-A. GRCh37 (hg19) VCF-style: chr1-94544932-C-A.
Other names: c.1185G>T, p.Met395Ile (NM_001425324.1); short protein forms M395I.
Identifiers: ClinVar variation 1932864 (VCV001932864.3), dbSNP rs61783978, ClinGen allele CA958614.